The following is an entry in ClinVar:

NM_020754.4(ARHGAP31):c.2998G>A (p.Asp1000Asn)

Gene: ARHGAP31 (Rho GTPase activating protein 31; plus strand). Cytogenetic location: 3q13.33.
Variant type: single nucleotide variant.
Coding change: c.2998G>A on transcript NM_020754.4 (MANE Select); coding-DNA position 2998, G replaced by A.
Protein change: p.Asp1000Asn; replaces aspartic acid 1000 with asparagine.
Molecular consequence: missense variant.
Genome position (GRCh38, 1-based): chr3:119,414,927, G>A. VCF-style: chr3-119414927-G-A. GRCh37 (hg19) VCF-style: chr3-119133774-G-A.
Other names: short protein forms D1000N.
Identifiers: ClinVar variation 3659433 (VCV003659433.2).
Genomic context (GRCh38, chr3:119,414,927, plus strand): 5'-ACAGAGAGGAATTCTGACCCTCTTCAGCCCCAGGCACCCAGGAGAGAGATTACTGGATGG[G>A]ATGAGAAAGCCCTGAGGTCCTTCAGAGAGTTCTCTGGCCTGAAAGGGGCAGAGGCTCCTC-3'
Protein context (NP_065805.2, residues 990-1010): QAPRREITGW[Asp1000Asn]EKALRSFREF

ClinVar aggregate classification (germline): Uncertain significance (1 of 4 stars; one submission).

Submission:

Labcorp Genetics (formerly Invitae), Labcorp
Classification: Uncertain significance. Last evaluated: 2024-08-05. Review status: criteria provided, single submitter. Criteria: Invitae Variant Classification Sherloc (09022015). Collection method: clinical testing. Allele origin: germline.
Comment: This sequence change replaces aspartic acid, which is acidic and polar, with asparagine, which is neutral and polar, at codon 1000 of the ARHGAP31 protein (p.Asp1000Asn). This variant is not present in population databases (gnomAD no frequency). This variant has not been reported in the literature in individuals affected with ARHGAP31-related conditions. An algorithm developed to predict the effect of missense changes on protein structure and function (PolyPhen-2) suggests that this variant is likely to be disruptive. In summary, the available evidence is currently insufficient to determine the role of this variant in disease. Therefore, it has been classified as a Variant of Uncertain Significance.